The following is an entry in ClinVar:

NM_000540.3(RYR1):c.7654C>A (p.Arg2552Ser)

Gene: RYR1 (ryanodine receptor 1; plus strand). Cytogenetic location: 19q13.2.
Variant type: single nucleotide variant.
Coding change: c.7654C>A on transcript NM_000540.3 (MANE Select); coding-DNA position 7654, C replaced by A.
Protein change: p.Arg2552Ser; replaces arginine 2552 with serine.
Molecular consequence: missense variant.
Genome position (GRCh38, 1-based): chr19:38,502,546, C>A. VCF-style: chr19-38502546-C-A. GRCh37 (hg19) VCF-style: chr19-38993186-C-A.
Other names: c.7654C>A, p.Arg2552Ser (NM_001042723.2); short protein forms R2552S.
Identifiers: ClinVar variation 3636234 (VCV003636234.2).

ClinVar aggregate classification (germline): Uncertain significance (1 of 4 stars; one submission).

Conditions:
RYR1-related disorder. Also called: RYR1-related condition; RYR1-related disorders. Identifiers: MedGen CN239331.

Submission:

Labcorp Genetics (formerly Invitae), Labcorp
Classification: Uncertain significance for RYR1-related disorder. Last evaluated: 2025-06-23. Review status: criteria provided, single submitter. Criteria: Invitae Variant Classification Sherloc (09022015). Collection method: clinical testing. Allele origin: germline.
Comment: This sequence change replaces arginine, which is basic and polar, with serine, which is neutral and polar, at codon 2552 of the RYR1 protein (p.Arg2552Ser). This variant is not present in population databases (gnomAD no frequency). This variant has not been reported in the literature in individuals affected with RYR1-related conditions. ClinVar contains an entry for this variant (Variation ID: 3636234). Invitae Evidence Modeling of protein sequence and biophysical properties (such as structural, functional, and spatial information, amino acid conservation, physicochemical variation, residue mobility, and thermodynamic stability) indicates that this missense variant is expected to disrupt RYR1 protein function with a positive predictive value of 80%. In summary, the available evidence is currently insufficient to determine the role of this variant in disease. Therefore, it has been classified as a Variant of Uncertain Significance.